The following is an entry in ClinVar:

NM_005120.3(MED12):c.14G>C (p.Gly5Ala)

Gene: MED12 (mediator complex subunit 12; plus strand). Cytogenetic location: Xq13.1.
Variant type: single nucleotide variant.
Coding change: c.14G>C on transcript NM_005120.3 (MANE Select); coding-DNA position 14, G replaced by C.
Protein change: p.Gly5Ala; replaces glycine 5 with alanine.
Molecular consequence: missense variant.
Genome position (GRCh38, 1-based): chrX:71,118,768, G>C. VCF-style: chrX-71118768-G-C. GRCh37 (hg19) VCF-style: chrX-70338618-G-C.
Other names: short protein forms G5A.
Identifiers: ClinVar variation 3224566 (VCV003224566.1), dbSNP rs2147766486, ClinGen allele CA413498237.

ClinVar aggregate classification (germline): Uncertain significance (1 of 4 stars; one submission).

Conditions:
Familial thoracic aortic aneurysm and aortic dissection (TAAD). Also called: Thoracic aortic aneurysms and dissections. Identifiers: Orphanet 91387, MedGen C4707243, MONDO:0019625.

Submission:

Ambry Genetics
Classification: Uncertain significance for Familial thoracic aortic aneurysm and aortic dissection. Last evaluated: 2024-02-01. Review status: criteria provided, single submitter. Criteria: Ambry Variant Classification Scheme 2023. Collection method: clinical testing. Allele origin: germline.
Comment: The p.G5A variant (also known as c.14G>C), located in coding exon 1 of the MED12 gene, results from a G to C substitution at nucleotide position 14. The glycine at codon 5 is replaced by alanine, an amino acid with similar properties. This amino acid position is conserved. In addition, this alteration is predicted to be tolerated by in silico analysis. Based on the available evidence, the clinical significance of this alteration remains unclear.